The following is an entry in ClinVar:

NM_153026.3(PRICKLE1):c.132+313G>A

Gene: PRICKLE1 (prickle planar cell polarity protein 1; minus strand). Cytogenetic location: 12q12.
Variant type: single nucleotide variant.
Coding change: c.132+313G>A on transcript NM_153026.3 (MANE Select); 313 bases into the intron after coding-DNA position 132, G replaced by A.
Molecular consequence: intron variant.
Genome position (GRCh38, 1-based): chr12:42,472,072, C>T on the plus strand (G>A on the coding strand, the complement: PRICKLE1 is on the minus strand). VCF-style: chr12-42472072-C-T. GRCh37 (hg19) VCF-style: chr12-42865874-C-T.
Other names: c.132+313G>A (NM_001144883.2, NM_001144882.2, NM_001144881.2).
Identifiers: ClinVar variation 668845 (VCV000668845.1), dbSNP rs1551210, ClinGen allele CA13619736.

ClinVar aggregate classification (germline): Benign (1 of 4 stars; one submission).

Allele frequency attached by ClinVar (database versions not stated): TOPMed 0.32087; 1000 Genomes Project 30x 0.33339; gnomAD 0.33587 and 0.34149; 1000 Genomes Project 0.34285.
gnomAD v4.1: 52,045 of 152,018 alleles (34%); highest among the groups gnomAD compares: South Asian, 47%; 9,642 homozygotes.

Submission:

GeneDx
Classification: Benign. Last evaluated: 2018-06-19. Review status: criteria provided, single submitter. Criteria: GeneDx Variant Classification (06012015). Collection method: clinical testing. Allele origin: germline. Affected: yes.
Comment: This variant is considered likely benign or benign based on one or more of the following criteria: it is a conservative change, it occurs at a poorly conserved position in the protein, it is predicted to be benign by multiple in silico algorithms, and/or has population frequency not consistent with disease.